The following is an entry in ClinVar:

ClinVar aggregate classification (germline): Uncertain significance (1 of 4 stars; one submission).

Conditions:
Long QT syndrome (LQTS). Identifiers: MedGen C0023976, MeSH D008133, MONDO:0002442. Disease mechanism: loss of function. Inheritance: Various modes of inheritance.

Allele frequency attached by ClinVar (database versions not stated): gnomAD exomes below 0.00001; ExAC 0.00001.

Submission:

Labcorp Genetics (formerly Invitae), Labcorp
Classification: Uncertain significance for Long QT syndrome. Last evaluated: 2021-09-14. Review status: criteria provided, single submitter. Criteria: Invitae Variant Classification Sherloc (09022015). Collection method: clinical testing. Allele origin: germline.
Comment: This sequence change replaces serine with asparagine at codon 585 of the KCNQ1 protein (p.Ser585Asn). The serine residue is weakly conserved and there is a small physicochemical difference between serine and asparagine. This variant is present in population databases (rs751125725, ExAC 0.002%). This variant has not been reported in the literature in individuals affected with KCNQ1-related conditions. Algorithms developed to predict the effect of missense changes on protein structure and function output the following: SIFT: "Tolerated"; PolyPhen-2: "Benign"; Align-GVGD: "Class C0". The asparagine amino acid residue is found in multiple mammalian species, which suggests that this missense change does not adversely affect protein function. In summary, the available evidence is currently insufficient to determine the role of this variant in disease. Therefore, it has been classified as a Variant of Uncertain Significance.

NM_000218.3(KCNQ1):c.1754G>A (p.Ser585Asn)

Gene: KCNQ1 (potassium voltage-gated channel subfamily Q member 1; plus strand). Cytogenetic location: 11p15.5.
Variant type: single nucleotide variant.
Coding change: c.1754G>A on transcript NM_000218.3 (MANE Select); coding-DNA position 1754, G replaced by A.
Protein change: p.Ser585Asn; replaces serine 585 with asparagine.
Molecular consequence: missense variant.
Genome position (GRCh38, 1-based): chr11:2,777,997, G>A. VCF-style: chr11-2777997-G-A. GRCh37 (hg19) VCF-style: chr11-2799227-G-A.
Other names: c.1658G>A, p.Ser553Asn (NM_001406836.1); c.1484G>A, p.Ser495Asn (NM_001406837.1); c.1214G>A, p.Ser405Asn (NM_001406838.1); c.266G>A, p.Ser89Asn (NM_001406839.1); c.1373G>A, p.Ser458Asn (NM_181798.2); short protein forms S458N, S585N, S405N, S89N, S495N, S553N.
Identifiers: ClinVar variation 1381023 (VCV001381023.2), dbSNP rs751125725, ClinGen allele CA032645.
Genomic context (GRCh38, chr11:2,777,997, plus strand): 5'-CAGCACTTGGCCCTGATTTGGGTGTTTTATCCCCCATAGAAAAGAGCAAGGATCGCGGCA[G>A]CAACACGATCGGCGCCCGCCTGAACCGAGTAGAAGACAAGGTAGGCTCACGCGCCGGCCT-3'
Protein context (NP_000209.2, residues 575-595): SVSEKSKDRG[Ser585Asn]NTIGARLNRV